The following is an entry in ClinVar:

NM_000545.8(HNF1A):c.823G>A (p.Glu275Lys)

Gene: HNF1A (HNF1 homeobox A; plus strand). Cytogenetic location: 12q24.31.
Variant type: single nucleotide variant.
Coding change: c.823G>A on transcript NM_000545.8 (MANE Select); coding-DNA position 823, G replaced by A.
Protein change: p.Glu275Lys; replaces glutamic acid 275 with lysine.
Molecular consequence: missense variant.
Genome position (GRCh38, 1-based): chr12:120,994,273, G>A. VCF-style: chr12-120994273-G-A. GRCh37 (hg19) VCF-style: chr12-121432076-G-A.
Other names: NM_000545.8(HNF1A):c.823G>A; p.Glu275Lys; c.823G>A, p.Glu275Lys (NM_001306179.2); short protein forms E275K.
Identifiers: ClinVar variation 1678621 (VCV001678621.5), dbSNP rs2135841942, ClinGen allele CA386966406.
Genomic context (GRCh38, chr12:120,994,273, plus strand): 5'-GGCTCCAACCTCGTCACGGAGGTGCGTGTCTACAACTGGTTTGCCAACCGGCGCAAAGAA[G>A]AAGCCTTCCGGCACAAGCTGGCCATGGACACGTACAGCGGGCCCCCCCCAGGGCCAGGCC-3'
Protein context (NP_000536.6, residues 265-285): YNWFANRRKE[Glu275Lys]AFRHKLAMDT

ClinVar aggregate classification (germline): Uncertain significance. Review status: reviewed by expert panel (3 of 4 stars). 3 submissions from 3 submitters: Uncertain significance (1). 2 of the submissions do not count toward it. Last evaluated 2026-06-11.

Conditions:
Monogenic diabetes. Identifiers: Orphanet 183625, MedGen C3888631, MONDO:0015967.
Maturity-onset diabetes of the young type 3. Also called: MODY type 3; MODY, type III. Identifiers: Orphanet 552, MedGen C1838100, MeSH C563933, MONDO:0010894, OMIM 600496. Disease mechanism: loss of function.

Submissions (3):

ClinGen Monogenic Diabetes Variant Curation Expert Panel
Classification: Uncertain significance for Monogenic diabetes. Last evaluated: 2026-06-11. Review status: reviewed by expert panel. Criteria: ClinGen Diabetes ACMG Specifications HNF1A V3.1.0. Collection method: curation. Allele origin: germline. Inheritance: Autosomal dominant inheritance.
Comment: The c.823G>A variant in the HNF1 homeobox A gene, HNF1A, causes an amino acid change of glutamic acid to lysine at codon 275 (p.(Glu275Lys)) of NM_000545.8. This variant is predicted to be deleterious by computational evidence, with a REVEL score of 0.84, which is greater than the MDEP VCEP threshold of 0.70 (PP3). This variant is located within a conserved region of the DNA binding domain (codons 107-174 and 201-280) of HNF1A, which is defined as critical for the protein’s function by the ClinGen MDEP (PM1_Supporting). This variant is absent from gnomAD v4.1.0 (PM2_Supporting). This variant was identified in an individual with diabetes; however, the calculated MODY probability is <50% (internal lab contributors). Another missense variant at the same residue, c.824A>T (p.Glu275Val), has been classified as a VUS by the ClinGen MDEP; therefore, PM5 will not be applied. In summary, c.823G>A meets the criteria to be classified as a variant of uncertain significance for monogenic diabetes. ACMG/AMP criteria applied, as specified by the ClinGen MDEP (specification version 3.1.0, approved 10/10/2025): PM1_Supporting, PM2_Supporting, PP3.

Women's Health and Genetics/Laboratory Corporation of America, LabCorp
Classification: Uncertain significance. Last evaluated: 2025-01-27. Review status: criteria provided, single submitter. Criteria: LabCorp Variant Classification Summary - May 2015. Collection method: clinical testing. Allele origin: germline. Not counted in ClinVar's aggregate classification.
Comment: Variant summary: HNF1A c.823G>A (p.Glu275Lys) results in a conservative amino acid change located in the Homeobox domain (IPR001356) of the encoded protein sequence. Four of five in-silico tools predict a damaging effect of the variant on protein function. The variant was absent in 248780 control chromosomes. The available data on variant occurrences in the general population are insufficient to allow any conclusion about variant significance. To our knowledge, no occurrence of c.823G>A in individuals affected with Maturity Onset Diabetes Of The Young 3 and no experimental evidence demonstrating its impact on protein function have been reported. ClinVar contains an entry for this variant (Variation ID: 1678621). Based on the evidence outlined above, the variant was classified as uncertain significance.

Molecular Genetics, Royal Melbourne Hospital
Classification: Uncertain significance for Maturity-onset diabetes of the young type 3. Last evaluated: 2023-03-30. Review status: criteria provided, single submitter. Criteria: ACMG Guidelines, 2015. Collection method: clinical testing. Allele origin: germline. Affected: yes. Not counted in ClinVar's aggregate classification.
Comment: This sequence change is predicted to replace glutamic acid with lysine at codon 275 of the HNF1A protein, p.(Glu275Lys). The glutamic acid residue is evolutionarily conserved (100 vertebrates, UCSC), and is located in the Homeobox DNA-binding domain. There is a small physicochemical difference between glutamic acid and lysine. The variant is absent in a large population cohort (PM2; gnomAD v2.1, v3), and has not been reported in the relevant medical literature or databases. Multiple lines of computational evidence predict a deleterious effect for the missense substitution (PP3; 4/5 algorithms). An in-frame deletion and different missense change with a larger physicochemical difference at this position (p.Glu275del, p.Glu275Val) have been seen in cases diagnosed with maturity-onset diabetes of the young (LOVD, ClinVar). Based on the classification scheme RMH ACMG Guidelines v1.2.1, this variant is classified as a VARIANT OF UNCERTAIN SIGNIFICANCE. Following criteria are met: PM2, PP3.